The following is an entry in ClinVar:

ClinVar aggregate classification (germline): Pathogenic. Review status: criteria provided, multiple submitters, no conflicts (2 of 4 stars). 3 submissions from 3 submitters: Pathogenic (2). 1 of the submissions does not count toward it. Last evaluated 2020-12-21.

Conditions:
Spastic paraplegia-severe developmental delay-epilepsy syndrome. Also called: Spastic paraplegia and psychomotor retardation with or without seizures. Identifiers: Orphanet 464282, MedGen C4225215, MONDO:0014764, OMIM 616756.

Allele frequency attached by ClinVar (database versions not stated): gnomAD 0.00001; gnomAD exomes 0.00001.
gnomAD v4.1: 9 of 1,600,278 alleles (0.00056%); highest among the groups gnomAD compares: South Asian, 0.0033%; no homozygotes.

Submissions (3):

Revvity Omics, Revvity
Classification: Pathogenic for Spastic paraplegia-severe developmental delay-epilepsy syndrome. Last evaluated: 2020-12-21. Review status: criteria provided, single submitter. Criteria: ACMG Guidelines, 2015. Collection method: clinical testing. Allele origin: germline.

Neuberg Centre For Genomic Medicine, NCGM
Classification: Pathogenic for Spastic paraplegia-severe developmental delay-epilepsy syndrome. Review status: criteria provided, single submitter. Criteria: ACMG Guidelines, 2015. Collection method: clinical testing. Allele origin: germline. Inheritance: Autosomal recessive inheritance. Affected: yes.
Comment: The stop gained c.655C>T (p.Arg219Ter) variant in HACE1 gene has been previously reported in homozygous state in multiple individuals affected with HACE1-related neurodevelopmental disorder (Hollstein et al., 2015). It has also been observed to segregate with disease in related individuals (Hollstein et al., 2015). The p.Arg219Ter variant is present with allele frequency of 0.003% in gnomAD Genomes. This variant has been submitted to the ClinVar database as Pathogenic. Computational evidence (MutationTaster - Disease causing) predicts damaging effect on protein structure and function for this variant. The nucleotide change c.655C>T in HACE1 is predicted as conserved by GERP++ and PhyloP across 100 vertebrates. This sequence change creates a premature translational stop signal (p.Arg219Ter) in the HACE1 gene. This variant is predicted to cause loss of normal protein function through protein truncation. Loss of function variants have been previously reported to be pathogenic. For these reasons, this variant has been classified as Pathogenic.

OMIM
Classification: Pathogenic for SPASTIC PARAPLEGIA AND PSYCHOMOTOR RETARDATION WITH OR WITHOUT SEIZURES. Last evaluated: 2016-02-04. Review status: no assertion criteria provided. Collection method: literature only. Allele origin: germline. Not counted in ClinVar's aggregate classification.

Literature cited by the submitters: PubMed 26424145 (cited by OMIM).

NM_020771.4(HACE1):c.655C>T (p.Arg219Ter)

Gene: HACE1 (HECT domain and ankyrin repeat containing E3 ubiquitin protein ligase 1; minus strand). Cytogenetic location: 6q16.3.
Variant type: single nucleotide variant.
Coding change: c.655C>T on transcript NM_020771.4 (MANE Select); coding-DNA position 655, C replaced by T.
Protein change: p.Arg219Ter; replaces arginine 219 with a stop codon.
Molecular consequence: nonsense. On other transcripts: 5 prime UTR variant (1), non-coding transcript variant (7).
Genome position (GRCh38, 1-based): chr6:104,796,988, G>A on the plus strand (C>T on the coding strand, the complement: HACE1 is on the minus strand). VCF-style: chr6-104796988-G-A. GRCh37 (hg19) VCF-style: chr6-105244863-G-A.
Other names: c.523C>T, p.Arg175Ter (NM_001321080.2); c.553C>T, p.Arg185Ter (NM_001321083.2); c.151C>T, p.Arg51Ter (NM_001321084.2, NM_001350557.2, NM_001350558.2); c.421C>T, p.Arg141Ter (NM_001350554.2); c.364C>T, p.Arg122Ter (NM_001350555.2); c.169C>T, p.Arg57Ter (NM_001350556.2); c.73C>T, p.Arg25Ter (NM_001350559.2); c.-129C>T (NM_001350560.2); short protein forms R219*, R122*, R175*, R57*, R141*, R25*, R185*, R51*.
Identifiers: ClinVar variation 221289 (VCV000221289.6), dbSNP rs869025280, ClinGen allele CA351526.
Genomic context (GRCh38, chr6:104,796,988, plus strand): 5'-CCTGTACACATAAATCCAGAGGAGTTACTCCATTTTTATCTGGCAGATATTTGGCTCCTC[G>A]TAATAGTAGGATCTGTGCTGTATCTCTCTGACCATGACTGTGTGGAAATAGAAACAAGTT-3'